The following is an entry in ClinVar:

NM_001393769.1(MED12L):c.5625C>A (p.Asp1875Glu)

Gene: MED12L (mediator complex subunit 12L; plus strand). Cytogenetic location: 3q25.1.
Variant type: single nucleotide variant.
Coding change: c.5625C>A on transcript NM_001393769.1 (MANE Select); coding-DNA position 5625, C replaced by A.
Protein change: p.Asp1875Glu; replaces aspartic acid 1875 with glutamic acid.
Molecular consequence: missense variant.
Genome position (GRCh38, 1-based): chr3:151,394,672, C>A. VCF-style: chr3-151394672-C-A. GRCh37 (hg19) VCF-style: chr3-151112460-C-A.
Other names: c.5520C>A, p.Asp1840Glu (NM_053002.6); short protein forms D1840E, D1875E.
Identifiers: ClinVar variation 3373175 (VCV003373175.1).

ClinVar aggregate classification (germline): Uncertain significance (1 of 4 stars; one submission).

Submission:

GeneDx
Classification: Uncertain significance. Last evaluated: 2024-02-27. Review status: criteria provided, single submitter. Criteria: GeneDx Variant Classification Process June 2021. Collection method: clinical testing. Allele origin: germline. Affected: yes.
Comment: Not observed at significant frequency in large population cohorts (gnomAD); In silico analysis supports that this missense variant does not alter protein structure/function; Has not been previously published as pathogenic or benign to our knowledge